The following is an entry in ClinVar:

NM_181672.3(OGT):c.2132T>C (p.Met711Thr)

Gene: OGT (O-linked N-acetylglucosamine (GlcNAc) transferase; plus strand). Cytogenetic location: Xq13.1.
Variant type: single nucleotide variant.
Coding change: c.2132T>C on transcript NM_181672.3 (MANE Select); coding-DNA position 2132, T replaced by C.
Protein change: p.Met711Thr; replaces methionine 711 with threonine.
Molecular consequence: missense variant.
Genome position (GRCh38, 1-based): chrX:71,563,001, T>C. VCF-style: chrX-71563001-T-C. GRCh37 (hg19) VCF-style: chrX-70782851-T-C.
Other names: c.2102T>C, p.Met701Thr (NM_181673.3); short protein forms M701T, M711T.
Identifiers: ClinVar variation 2500562 (VCV002500562.2), dbSNP rs2522853785, ClinGen allele CA413563116.

ClinVar aggregate classification (germline): Uncertain significance (1 of 4 stars; one submission).

Submission:

GeneDx
Classification: Uncertain significance. Last evaluated: 2024-09-30. Review status: criteria provided, single submitter. Criteria: GeneDx Variant Classification Process June 2021. Collection method: clinical testing. Allele origin: germline.
Comment: Not observed at significant frequency in large population cohorts (gnomAD); In silico analysis supports that this missense variant has a deleterious effect on protein structure/function; Has not been previously published as pathogenic or benign to our knowledge